The following is an entry in ClinVar:

NM_032043.3(BRIP1):c.1565C>A (p.Ser522Ter)

Gene: BRIP1 (BRCA1 interacting DNA helicase 1; minus strand). Cytogenetic location: 17q23.2.
Variant type: single nucleotide variant.
Coding change: c.1565C>A on transcript NM_032043.3 (MANE Select); coding-DNA position 1565, C replaced by A.
Protein change: p.Ser522Ter; replaces serine 522 with a stop codon.
Molecular consequence: nonsense.
Genome position (GRCh38, 1-based): chr17:61,784,333, G>T on the plus strand (C>A on the coding strand, the complement: BRIP1 is on the minus strand). VCF-style: chr17-61784333-G-T. GRCh37 (hg19) VCF-style: chr17-59861694-G-T.
Other names: short protein forms S522*.
Identifiers: ClinVar variation 5033458 (VCV005033458.1).

ClinVar aggregate classification (germline): Pathogenic (1 of 4 stars; one submission).

Conditions:
Hereditary cancer-predisposing syndrome. Also called: Neoplastic Syndromes, Hereditary; Tumor predisposition; Hereditary neoplastic syndrome; Hereditary Cancer Syndrome. Identifiers: Orphanet 140162, MedGen C0027672, MeSH D009386, MONDO:0015356.

Submission:

Ambry Genetics
Classification: Pathogenic for Hereditary cancer-predisposing syndrome. Last evaluated: 2026-08-28. Review status: criteria provided, single submitter. Criteria: Ambry Variant Classification Scheme 2023. Collection method: clinical testing. Allele origin: germline.
Comment: The p.S522* pathogenic mutation (also known as c.1565C>A), located in coding exon 10 of the BRIP1 gene, results from a C to A substitution at nucleotide position 1565. This changes the amino acid from a serine to a stop codon within coding exon 10. This variant is considered to be rare based on population cohorts in the Genome Aggregation Database (gnomAD). This alteration is expected to result in loss of function by premature protein truncation or nonsense-mediated mRNA decay. As such, this alteration is interpreted as a disease-causing mutation.